The following is an entry in ClinVar:

ClinVar aggregate classification (germline): Likely benign (1 of 4 stars; one submission).

gnomAD v4.1: 147 of 1,612,566 alleles (0.0091%); highest among the groups gnomAD compares: East Asian, 0.058%; 2 homozygotes.

Submission:

CeGaT Center for Human Genetics Tuebingen
Classification: Likely benign. Last evaluated: 2022-10-01. Review status: criteria provided, single submitter. Criteria: CeGaT Center For Human Genetics Tuebingen Variant Classification Criteria Version 2. Collection method: clinical testing. Allele origin: germline. Affected: yes. Observed: 1 variant allele.
Comment: TEP1: BP4, BP7

NM_007110.5(TEP1):c.4011C>T (p.Tyr1337=)

Gene: TEP1 (telomerase associated protein 1; minus strand). Cytogenetic location: 14q11.2.
Variant type: single nucleotide variant.
Coding change: c.4011C>T on transcript NM_007110.5 (MANE Select); coding-DNA position 4011, C replaced by T.
Protein change: p.Tyr1337=; no amino-acid change (tyrosine 1337 retained).
Molecular consequence: synonymous variant.
Genome position (GRCh38, 1-based): chr14:20,383,210, G>A on the plus strand (C>T on the coding strand, the complement: TEP1 is on the minus strand). VCF-style: chr14-20383210-G-A. GRCh37 (hg19) VCF-style: chr14-20851369-G-A.
Other names: c.3687C>T, p.Tyr1229= (NM_001319035.2).
Identifiers: ClinVar variation 2644047 (VCV002644047.24), dbSNP rs773983990, ClinGen allele CA7079491.